The following is an entry in ClinVar:

ClinVar aggregate classification (germline): Benign/Likely benign. Review status: criteria provided, multiple submitters, no conflicts (2 of 4 stars). 4 submissions from 4 submitters: Benign (1); Likely benign (1). 2 of the submissions do not count toward it. Last evaluated 2026-08-01.

Allele frequency attached by ClinVar (database versions not stated): 1000 Genomes Project 0.00040; 1000 Genomes Project 30x 0.00062; TOPMed 0.00183; ESP Exome Variant Server 0.00239; gnomAD 0.00263 and 0.00278; gnomAD exomes 0.00307 and 0.00316; ExAC 0.00332.
gnomAD v4.1: 4,861 of 1,614,176 alleles (0.3%); highest among the groups gnomAD compares: Non-Finnish European, 0.33%; 14 homozygotes.

Submissions (4):

CeGaT Center for Human Genetics Tuebingen
Classification: Likely benign. Last evaluated: 2026-08-01. Review status: criteria provided, single submitter. Criteria: CeGaT Center For Human Genetics Tuebingen Variant Classification Criteria Version 2. Collection method: clinical testing. Allele origin: germline. Affected: yes. Observed: 15 variant alleles.
Comment: KATNIP: BP4, BP7

Labcorp Genetics (formerly Invitae), Labcorp
Classification: Benign. Last evaluated: 2026-01-19. Review status: criteria provided, single submitter. Criteria: Invitae Variant Classification Sherloc (09022015). Collection method: clinical testing. Allele origin: germline.

Clinical Genetics DNA and cytogenetics Diagnostics Lab, Erasmus MC, Erasmus Medical Center
Classification: Likely benign. Review status: no assertion criteria provided. Collection method: clinical testing. Allele origin: germline. Affected: yes. Study: VKGL Data-share Consensus. Not counted in ClinVar's aggregate classification.

Genome Diagnostics Laboratory, University Medical Center Utrecht
Classification: Likely benign. Review status: no assertion criteria provided. Collection method: clinical testing. Allele origin: germline. Affected: yes. Study: VKGL Data-share Consensus. Not counted in ClinVar's aggregate classification.

NM_015202.5(KATNIP):c.1303C>T (p.Leu435=)

Gene: KATNIP (katanin interacting protein; plus strand). Cytogenetic location: 16p12.1.
Variant type: single nucleotide variant.
Coding change: c.1303C>T on transcript NM_015202.5 (MANE Select); coding-DNA position 1303, C replaced by T.
Protein change: p.Leu435=; no amino-acid change (leucine 435 retained).
Molecular consequence: synonymous variant.
Genome position (GRCh38, 1-based): chr16:27,703,912, C>T. VCF-style: chr16-27703912-C-T. GRCh37 (hg19) VCF-style: chr16-27715233-C-T.
Identifiers: ClinVar variation 778122 (VCV000778122.38), dbSNP rs147645225, ClinGen allele CA7977657.